The following is an entry in ClinVar:

NM_001130438.3(SPTAN1):c.6503C>T (p.Ala2168Val)

Gene: SPTAN1 (spectrin alpha, non-erythrocytic 1; plus strand). Cytogenetic location: 9q34.11.
Variant type: single nucleotide variant.
Coding change: c.6503C>T on transcript NM_001130438.3 (MANE Select); coding-DNA position 6503, C replaced by T.
Protein change: p.Ala2168Val; replaces alanine 2168 with valine.
Molecular consequence: missense variant.
Genome position (GRCh38, 1-based): chr9:128,626,614, C>T. VCF-style: chr9-128626614-C-T. GRCh37 (hg19) VCF-style: chr9-131388893-C-T.
Other names: c.6428C>T, p.Ala2143Val (NM_001195532.2); c.6503C>T, p.Ala2168Val (NM_001363759.2, NM_001375310.1, NM_001375311.2 and 1 more transcripts); c.6443C>T, p.Ala2148Val (NM_001363765.2, NM_001375314.2); c.6539C>T, p.Ala2180Val (NM_001375312.2, NM_001375318.1); c.6488C>T, p.Ala2163Val (NM_003127.4); short protein forms A2148V, A2163V, A2168V, A2143V, A2180V.
Identifiers: ClinVar variation 859299 (VCV000859299.12), dbSNP rs767399516, ClinGen allele CA5265713.

ClinVar aggregate classification (germline): Uncertain significance. Review status: criteria provided, multiple submitters, no conflicts (2 of 4 stars). 2 submissions from 2 submitters: Uncertain significance (2). Last evaluated 2025-07-13.

Conditions:
Developmental and epileptic encephalopathy, 5 (DEE5). Identifiers: Orphanet 3451, MedGen C3150731, MONDO:0013277, OMIM 613477.
Early-infantile DEE. Also called: Ohtahara syndrome; Early infantile epileptic encephalopathy; Early infantile epileptic encephalopathy with suppression bursts. Identifiers: Orphanet 1934, MedGen C0393706, MONDO:0800491.

Allele frequency attached by ClinVar (database versions not stated): TOPMed 0.00001; gnomAD exomes 0.00002; ExAC 0.00004.
gnomAD v4.1: 27 of 1,613,946 alleles (0.0017%); highest among the groups gnomAD compares: South Asian, 0.029%; no homozygotes.

Submissions (2):

Labcorp Genetics (formerly Invitae), Labcorp
Classification: Uncertain significance for Early-infantile DEE. Last evaluated: 2025-07-13. Review status: criteria provided, single submitter. Criteria: Invitae Variant Classification Sherloc (09022015). Collection method: clinical testing. Allele origin: germline.
Comment: This sequence change replaces alanine, which is neutral and non-polar, with valine, which is neutral and non-polar, at codon 2168 of the SPTAN1 protein (p.Ala2168Val). This variant is present in population databases (rs767399516, gnomAD 0.02%). This missense change has been observed in individual(s) with SPTAN1-related conditions (PMID: 36801247). ClinVar contains an entry for this variant (Variation ID: 859299). Invitae Evidence Modeling of protein sequence and biophysical properties (such as structural, functional, and spatial information, amino acid conservation, physicochemical variation, residue mobility, and thermodynamic stability) has been performed for this missense variant. However, the output from this modeling did not meet the statistical confidence thresholds required to predict the impact of this variant on SPTAN1 protein function. In summary, the available evidence is currently insufficient to determine the role of this variant in disease. Therefore, it has been classified as a Variant of Uncertain Significance.

Neuberg Centre For Genomic Medicine, NCGM
Classification: Uncertain significance for Developmental and epileptic encephalopathy, 5. Review status: criteria provided, single submitter. Criteria: ACMG Guidelines, 2015. Collection method: clinical testing. Allele origin: germline. Affected: yes.
Comment: The missense variant p.A2168V in SPTAN1 (NM_001130438.3) has not been reported previously as a pathogenic variant nor as a benign variant, to our knowledge. This variant is observed in 6/30584 (0.0196%) alleles from individuals of South Asian background in the gnomAD dataset (Exome Aggregation Consortium et al., 2016). There is a small physicochemical difference between alanine and valine, which is not likely to impact secondary protein structure as these residues share similar properties. The p.Ala2168Val variant is novel (not in any individuals) in 1000 Genomes. The amino acid change p.Ala2168Val in SPTAN1 is predicted as conserved by GERP++ and PhyloP across 100 vertebrates. For these reasons, this variant has been classified as Uncertain Significance.

Literature cited by the submitters: PubMed 36801247 (cited by Labcorp Genetics (formerly Invitae), Labcorp).